The following is an entry in ClinVar:

NM_002734.5(PRKAR1A):c.311T>A (p.Val104Asp)

Gene: PRKAR1A (protein kinase cAMP-dependent type I regulatory subunit alpha; plus strand). Cytogenetic location: 17q24.2.
Variant type: single nucleotide variant.
Coding change: c.311T>A on transcript NM_002734.5 (MANE Select); coding-DNA position 311, T replaced by A.
Protein change: p.Val104Asp; replaces valine 104 with aspartic acid.
Molecular consequence: missense variant.
Genome position (GRCh38, 1-based): chr17:68,522,889, T>A. VCF-style: chr17-68522889-T-A. GRCh37 (hg19) VCF-style: chr17-66519030-T-A.
Other names: c.311T>A, p.Val104Asp (NM_001276289.2, NM_001276290.1, NM_001278433.2 and 4 more transcripts); short protein forms V104D.
Identifiers: ClinVar variation 2625065 (VCV002625065.2), dbSNP rs2143274810, ClinGen allele CA400752441.
Genomic context (GRCh38, chr17:68,522,889, plus strand): 5'-CTCCTCCACCCAACCCAGTGGTTAAAGGTAGGAGGCGACGAGGTGCTATCAGCGCTGAGG[T>A]CTACACGGAGGAAGATGCGGCATCCTATGTTAGAAAGGTAGTTTTGATATTTGAATATCG-3'
Protein context (NP_002725.1, residues 94-114): RRRRGAISAE[Val104Asp]YTEEDAASYV

ClinVar aggregate classification (germline): Uncertain significance (1 of 4 stars; one submission).

Conditions:
Hereditary cancer-predisposing syndrome. Also called: Tumor predisposition; Hereditary Cancer Syndrome; Hereditary neoplastic syndrome; Neoplastic Syndromes, Hereditary. Identifiers: Orphanet 140162, MedGen C0027672, MeSH D009386, MONDO:0015356.

Submission:

Ambry Genetics
Classification: Uncertain significance for Hereditary cancer-predisposing syndrome. Last evaluated: 2023-06-17. Review status: criteria provided, single submitter. Criteria: Ambry Variant Classification Scheme 2023. Collection method: clinical testing. Allele origin: germline.
Comment: The p.V104D variant (also known as c.311T>A), located in coding exon 2 of the PRKAR1A gene, results from a T to A substitution at nucleotide position 311. The valine at codon 104 is replaced by aspartic acid, an amino acid with highly dissimilar properties. This amino acid position is conserved. In addition, this alteration is predicted to be deleterious by in silico analysis. Since supporting evidence is limited at this time, the clinical significance of this alteration remains unclear.